The following is an entry in ClinVar:

ClinVar aggregate classification (germline): Uncertain significance (1 of 4 stars; one submission).

Conditions:
Inborn genetic diseases. Identifiers: MedGen C0950123, MeSH D030342.

gnomAD v4.1: 34 of 1,613,452 alleles (0.0021%); highest among the groups gnomAD compares: African/African-American, 0.015%; no homozygotes.

Submission:

Ambry Genetics
Classification: Uncertain significance for Inborn genetic diseases. Last evaluated: 2024-08-26. Review status: criteria provided, single submitter. Criteria: Ambry Variant Classification Scheme 2023. Collection method: clinical testing. Allele origin: germline.
Comment: The c.3567+5G>A intronic alteration consists of a G to A substitution nucleotides after coding exon 26 in the MYO5A gene. Based on insufficient or conflicting evidence, the clinical significance of this alteration remains unclear.

NM_001382347.1(MYO5A):c.3567+5G>A

Gene: MYO5A (myosin VA; minus strand). Cytogenetic location: 15q21.2.
Variant type: single nucleotide variant.
Coding change: c.3567+5G>A on transcript NM_001382347.1 (MANE Select); 5 bases into the intron after coding-DNA position 3567, G replaced by A.
Molecular consequence: intron variant.
Genome position (GRCh38, 1-based): chr15:52,353,866, C>T on the plus strand (G>A on the coding strand, the complement: MYO5A is on the minus strand). VCF-style: chr15-52353866-C-T. GRCh37 (hg19) VCF-style: chr15-52646063-C-T.
Other names: c.3567+5G>A (NM_000259.3, NM_001411135.1, NM_001142495.2); c.3639+5G>A (NM_001382349.1, NM_001382348.1).
Identifiers: ClinVar variation 3401573 (VCV003401573.1).